The following is an entry in ClinVar:

ClinVar aggregate classification (germline): Uncertain significance (1 of 4 stars; one submission).

Submission:

Labcorp Genetics (formerly Invitae), Labcorp
Classification: Uncertain significance. Last evaluated: 2023-11-13. Review status: criteria provided, single submitter. Criteria: Invitae Variant Classification Sherloc (09022015). Collection method: clinical testing. Allele origin: germline.
Comment: This sequence change replaces leucine, which is neutral and non-polar, with arginine, which is basic and polar, at codon 200 of the SMARCB1 protein (p.Leu200Arg). This variant is not present in population databases (gnomAD no frequency). This variant has not been reported in the literature in individuals affected with SMARCB1-related conditions. Advanced modeling of protein sequence and biophysical properties (such as structural, functional, and spatial information, amino acid conservation, physicochemical variation, residue mobility, and thermodynamic stability) performed at Invitae indicates that this missense variant is expected to disrupt SMARCB1 protein function with a positive predictive value of 80%. In summary, the available evidence is currently insufficient to determine the role of this variant in disease. Therefore, it has been classified as a Variant of Uncertain Significance.

NM_003073.5(SMARCB1):c.599T>G (p.Leu200Arg)

Gene: SMARCB1 (SWI/SNF related BAF chromatin remodeling complex subunit B1; plus strand). Cytogenetic location: 22q11.23.
Variant type: single nucleotide variant.
Coding change: c.599T>G on transcript NM_003073.5 (MANE Select); coding-DNA position 599, T replaced by G.
Protein change: p.Leu200Arg; replaces leucine 200 with arginine.
Molecular consequence: missense variant.
Genome position (GRCh38, 1-based): chr22:23,803,393, T>G. VCF-style: chr22-23803393-T-G. GRCh37 (hg19) VCF-style: chr22-24145580-T-G.
Other names: c.572T>G, p.Leu191Arg (NM_001007468.3); c.626T>G, p.Leu209Arg (NM_001317946.2); c.653T>G, p.Leu218Arg (NM_001362877.2); short protein forms L209R, L191R, L200R, L218R.
Identifiers: ClinVar variation 2695445 (VCV002695445.3), dbSNP rs2517684403, ClinGen allele CA410935951.